The following is an entry in ClinVar:

NM_014714.4(IFT140):c.1542CCT[1] (p.Leu516del)

Gene: IFT140 (intraflagellar transport 140; minus strand). Cytogenetic location: 16p13.3.
Variant type: Microsatellite.
Coding change: c.1542CCT[1] on transcript NM_014714.4 (MANE Select); one copy of the 3-base unit CCT starting at c.1542; the reference has two copies in a row; one copy, 3 bases deleted.
Protein change: p.Leu516del; deletes leucine 516.
Molecular consequence: inframe deletion.
Genome position (GRCh38, 1-based): chr16:1,571,512-1,571,514, AGG deleted on the plus strand (CCT on the coding strand, the reverse complement: IFT140 is on the minus strand); deleting any 3 consecutive bases within chr16:1,571,512-1,571,519 gives the same sequence; the position shown is the placement nearest the transcript's 3' end. VCF-style (leftmost placement, unchanged base first): chr16-1571511-AAGG-A. GRCh37 (hg19) VCF-style: chr16-1621512-AAGG-A.
Other names: short protein forms L516del.
Identifiers: ClinVar variation 3019721 (VCV003019721.4), dbSNP rs1210664549, ClinGen allele CA492924536.

ClinVar aggregate classification (germline): Uncertain significance. Review status: criteria provided, multiple submitters, no conflicts (2 of 4 stars). 2 submissions from 2 submitters: Uncertain significance (2). Last evaluated 2025-05-09.

Conditions:
Saldino-Mainzer syndrome (SRTD9). Also called: CONORENAL SYNDROME; SHORT-RIB THORACIC DYSPLASIA 9 WITHOUT POLYDACTYLY; Renal dysplasia, retinal pigmentary dystrophy, cerebellar ataxia and skeletal dysplasia; short-rib thoracic dysplasia 9 with or without polydactyly. Identifiers: Orphanet 140969, MedGen C1849437, MONDO:0009964, OMIM 266920.

Submissions (2):

Labcorp Genetics (formerly Invitae), Labcorp
Classification: Uncertain significance for Saldino-Mainzer syndrome. Last evaluated: 2025-05-09. Review status: criteria provided, single submitter. Criteria: Invitae Variant Classification Sherloc (09022015). Collection method: clinical testing. Allele origin: germline.
Comment: This variant, c.1545_1547del, results in the deletion of 1 amino acid(s) of the IFT140 protein (p.Leu516del), but otherwise preserves the integrity of the reading frame. This variant is present in population databases (no rsID available, gnomAD 0.003%). This variant has not been reported in the literature in individuals affected with IFT140-related conditions. Experimental studies and prediction algorithms are not available or were not evaluated, and the functional significance of this variant is currently unknown. In summary, the available evidence is currently insufficient to determine the role of this variant in disease. Therefore, it has been classified as a Variant of Uncertain Significance.

Blueprint Genetics
Classification: Uncertain significance. Last evaluated: 2019-11-21. Review status: criteria provided, single submitter. Criteria: ACMG Guidelines, 2015. Collection method: clinical testing. Allele origin: germline.